The following is an entry in ClinVar:

ClinVar aggregate classification (germline): Uncertain significance. Review status: criteria provided, multiple submitters, no conflicts (2 of 4 stars). 2 submissions from 2 submitters: Uncertain significance (2). Last evaluated 2024-11-10.

Conditions:
Immunodeficiency 104. Also called: Severe Combined Immune Deficiency, Autosomal Recessive, TCell -Negative, B Cell-Positive, NK Cell-Positive, IL7R-Related; Severe combined immunodeficiency, autosomal recessive, T cell-negative, B cell-positive, NK cell-positive; SCID, AUTOSOMAL RECESSIVE, T CELL-NEGATIVE, B CELL-POSITIVE, NK CELL-POSITIVE; IMMUNODEFICIENCY 104, SEVERE COMBINED. Identifiers: MedGen C5676890, MONDO:0012163, OMIM 608971.

Allele frequency attached by ClinVar (database versions not stated): gnomAD 0.00004 and 0.00005; TOPMed 0.00006; ESP Exome Variant Server 0.00008; 1000 Genomes Project 30x 0.00031; 1000 Genomes Project 0.00040.
gnomAD v4.1: 25 of 1,613,554 alleles (0.0015%); highest among the groups gnomAD compares: East Asian, 0.011%; no homozygotes.

Submissions (2):

Labcorp Genetics (formerly Invitae), Labcorp
Classification: Uncertain significance for Immunodeficiency 104. Last evaluated: 2024-11-10. Review status: criteria provided, single submitter. Criteria: Invitae Variant Classification Sherloc (09022015). Collection method: clinical testing. Allele origin: germline.
Comment: This sequence change replaces valine, which is neutral and non-polar, with methionine, which is neutral and non-polar, at codon 78 of the IL7R protein (p.Val78Met). This variant is present in population databases (rs200687605, gnomAD 0.02%). This variant has not been reported in the literature in individuals affected with IL7R-related conditions. ClinVar contains an entry for this variant (Variation ID: 580417). Invitae Evidence Modeling of protein sequence and biophysical properties (such as structural, functional, and spatial information, amino acid conservation, physicochemical variation, residue mobility, and thermodynamic stability) indicates that this missense variant is not expected to disrupt IL7R protein function with a negative predictive value of 95%. In summary, the available evidence is currently insufficient to determine the role of this variant in disease. Therefore, it has been classified as a Variant of Uncertain Significance.

Breakthrough Genomics
Classification: Uncertain significance. Review status: criteria provided, single submitter. Criteria: ACMG Guidelines, 2015. Collection method: not provided. Allele origin: germline. Inheritance: Autosomal recessive inheritance. Affected: yes.

NM_002185.5(IL7R):c.232G>A (p.Val78Met)

Gene: IL7R (interleukin 7 receptor; plus strand). Cytogenetic location: 5p13.2.
Variant type: single nucleotide variant.
Coding change: c.232G>A on transcript NM_002185.5 (MANE Select); coding-DNA position 232, G replaced by A.
Protein change: p.Val78Met; replaces valine 78 with methionine.
Molecular consequence: missense variant. On other transcripts: non-coding transcript variant (1).
Genome position (GRCh38, 1-based): chr5:35,867,316, G>A. VCF-style: chr5-35867316-G-A. GRCh37 (hg19) VCF-style: chr5-35867418-G-A.
Other names: short protein forms V78M.
Identifiers: ClinVar variation 580417 (VCV000580417.6), dbSNP rs200687605, ClinGen allele CA3231892.